The following is an entry in ClinVar:

NM_004588.5(SCN2B):c.295G>T (p.Val99Leu)

Gene: SCN2B (sodium voltage-gated channel beta subunit 2; minus strand). Cytogenetic location: 11q23.3.
Variant type: single nucleotide variant.
Coding change: c.295G>T on transcript NM_004588.5 (MANE Select); coding-DNA position 295, G replaced by T.
Protein change: p.Val99Leu; replaces valine 99 with leucine.
Molecular consequence: missense variant.
Genome position (GRCh38, 1-based): chr11:118,168,238, C>A on the plus strand (G>T on the coding strand, the complement: SCN2B is on the minus strand). VCF-style: chr11-118168238-C-A. GRCh37 (hg19) VCF-style: chr11-118038953-C-A.
Other names: short protein forms V99L.
Identifiers: ClinVar variation 1370529 (VCV001370529.10), dbSNP rs772817742, ClinGen allele CA382785234.
Genomic context (GRCh38, chr11:118,168,238, plus strand): 5'-GCTGCACGTTTCTCAGCATCACCGACACATCGTACTTGCTGGGGTTCCCTGAGAACTCCA[C>A]GCGGTCTTGAAACCGCTCCAGCTTCAGGTTAATGATCTTCATGCGGAACTGGAGGAACTG-3'
Protein context (NP_004579.1, residues 89-109): NLKLERFQDR[Val99Leu]EFSGNPSKYD

ClinVar aggregate classification (germline): Uncertain significance. Review status: criteria provided, multiple submitters, no conflicts (2 of 4 stars). 2 submissions from 2 submitters: Uncertain significance (2). Last evaluated 2022-07-11.

Conditions:
Cardiovascular phenotype. Identifiers: MedGen CN230736.
Atrial fibrillation, familial, 14 (ATFB14). Identifiers: MedGen C3809312, MONDO:0014156, OMIM 615378.

gnomAD v4.1: 4 of 1,614,188 alleles (0.00025%); highest among the groups gnomAD compares: African/African-American, 0.0013%; no homozygotes.

Submissions (2):

Ambry Genetics
Classification: Uncertain significance for Cardiovascular phenotype. Last evaluated: 2022-07-11. Review status: criteria provided, single submitter. Criteria: Ambry Variant Classification Scheme 2023. Collection method: clinical testing. Allele origin: germline.
Comment: The p.V99L variant (also known as c.295G>T), located in coding exon 3 of the SCN2B gene, results from a G to T substitution at nucleotide position 295. The valine at codon 99 is replaced by leucine, an amino acid with highly similar properties. This amino acid position is conserved. In addition, the in silico prediction for this alteration is inconclusive. Since supporting evidence is limited at this time, the clinical significance of this alteration remains unclear.

Labcorp Genetics (formerly Invitae), Labcorp
Classification: Uncertain significance for Atrial fibrillation, familial, 14. Last evaluated: 2021-07-01. Review status: criteria provided, single submitter. Criteria: Invitae Variant Classification Sherloc (09022015). Collection method: clinical testing. Allele origin: germline.
Comment: This variant has not been reported in the literature in individuals affected with SCN2B-related conditions. This sequence change replaces valine with leucine at codon 99 of the SCN2B protein (p.Val99Leu). The valine residue is highly conserved and there is a small physicochemical difference between valine and leucine. This variant is not present in population databases (ExAC no frequency). Algorithms developed to predict the effect of missense changes on protein structure and function (SIFT, PolyPhen-2, Align-GVGD) all suggest that this variant is likely to be disruptive. In summary, the available evidence is currently insufficient to determine the role of this variant in disease. Therefore, it has been classified as a Variant of Uncertain Significance.